The following is an entry in ClinVar:

NM_001005242.3(PKP2):c.252T>G (p.Pro84=)

Gene: PKP2 (plakophilin 2; minus strand). Cytogenetic location: 12p11.21.
Variant type: single nucleotide variant.
Coding change: c.252T>G on transcript NM_001005242.3 (MANE Select); coding-DNA position 252, T replaced by G.
Protein change: p.Pro84=; no amino-acid change (proline 84 retained).
Molecular consequence: synonymous variant.
Genome position (GRCh38, 1-based): chr12:32,879,004, A>C on the plus strand (T>G on the coding strand, the complement: PKP2 is on the minus strand). VCF-style: chr12-32879004-A-C. GRCh37 (hg19) VCF-style: chr12-33031938-A-C.
Other names: c.252T>G, p.Pro84= (NM_004572.4).
Identifiers: ClinVar variation 701122 (VCV000701122.13), dbSNP rs1591829338, ClinGen allele CA479175012.

ClinVar aggregate classification (germline): Likely benign. Review status: criteria provided, multiple submitters, no conflicts (2 of 4 stars). 4 submissions from 4 submitters: Likely benign (4). Last evaluated 2025-08-17.

Conditions:
Cardiovascular phenotype. Identifiers: MedGen CN230736.
Arrhythmogenic right ventricular cardiomyopathy (ARVD). Also called: Arrhythmogenic cardiomyopathy; Cardiomyopathy, ARVC; Arrhythmogenic right ventricular dysplasia; Arrhythmogenic Right Ventricular Cardiomyopathy (ARVC). Identifiers: Orphanet 247, MedGen C0349788, MeSH D019571, MONDO:0016587. Disease mechanism: loss of function. Inheritance: Various modes of inheritance.
Cardiomyopathy (CMYO). Also called: Cardiomyopathies. Identifiers: Orphanet 167848, MedGen C0878544, MONDO:0004994, HP:0001638. Inheritance: Various modes of inheritance.
Arrhythmogenic right ventricular dysplasia 9 (ARVD9). Also called: Arrhythmogenic Right Ventricular Dysplasia/Cardiomyopathy 9; ARRHYTHMOGENIC RIGHT VENTRICULAR DYSPLASIA, FAMILIAL, 9. Identifiers: MedGen C1836906, MONDO:0012180, OMIM 609040.

Allele frequency attached by ClinVar (database versions not stated): gnomAD exomes below 0.00001; TOPMed below 0.00001.
gnomAD v4.1: 1 of 1,599,326 alleles (0.000063%); highest among the groups gnomAD compares: Non-Finnish European, 0.000086%; no homozygotes.

Submissions (4):

Labcorp Genetics (formerly Invitae), Labcorp
Classification: Likely benign for Arrhythmogenic right ventricular dysplasia 9. Last evaluated: 2025-08-17. Review status: criteria provided, single submitter. Criteria: Invitae Variant Classification Sherloc (09022015). Collection method: clinical testing. Allele origin: germline.

All of Us Research Program, National Institutes of Health
Classification: Likely benign for Arrhythmogenic right ventricular cardiomyopathy. Last evaluated: 2024-07-20. Review status: criteria provided, single submitter. Criteria: ACMG Guidelines, 2015. Collection method: clinical testing. Allele origin: germline. Inheritance: Autosomal dominant inheritance. Observed: 4 variant alleles, 4 heterozygotes.
Comment: This study involves interpretation of variants in research participants for the purpose of population health screening. Participant phenotype was not available at the time of variant classification. Additional details can be found in publication PMID: 35346344, PMCID: PMC8962531

Color Diagnostics, LLC DBA Color Health
Classification: Likely benign for Cardiomyopathy. Last evaluated: 2024-07-16. Review status: criteria provided, single submitter. Criteria: ACMG Guidelines, 2015. Collection method: clinical testing. Allele origin: germline.

Ambry Genetics
Classification: Likely benign for Cardiovascular phenotype. Last evaluated: 2018-12-24. Review status: criteria provided, single submitter. Criteria: Ambry Variant Classification Scheme 2023. Collection method: clinical testing. Allele origin: germline.